The following is an entry in ClinVar:

ClinVar aggregate classification (germline): Uncertain significance. Review status: criteria provided, multiple submitters, no conflicts (2 of 4 stars). 3 submissions from 3 submitters: Uncertain significance (2). 1 of the submissions does not count toward it. Last evaluated 2025-10-14.

Conditions:
UCP3-related disorder. Also called: UCP3-related condition.
Inherited obesity. Also called: Monogenic Obesity. Identifiers: Orphanet 77828, MedGen C4054476, MONDO:0019182, OMIM 601665.

Allele frequency attached by ClinVar (database versions not stated): gnomAD 0.00001; ExAC 0.00002; gnomAD exomes 0.00004.
gnomAD v4.1: 57 of 1,614,038 alleles (0.0035%); highest among the groups gnomAD compares: Middle Eastern, 0.016%; no homozygotes.

Submissions (3):

Clinical Genetics Laboratory, University Hospital Schleswig-Holstein
Classification: Uncertain significance for Inherited obesity. Last evaluated: 2025-10-14. Review status: criteria provided, single submitter. Criteria: ACMG Guidelines, 2015. Collection method: clinical testing. Allele origin: germline. Affected: yes. Observed: 1 heterozygote.
Comment: ACMG criteria applied: PM2, PP3

Labcorp Genetics (formerly Invitae), Labcorp
Classification: Uncertain significance. Last evaluated: 2025-03-22. Review status: criteria provided, single submitter. Criteria: Invitae Variant Classification Sherloc (09022015). Collection method: clinical testing. Allele origin: germline.
Comment: This sequence change replaces proline, which is neutral and non-polar, with leucine, which is neutral and non-polar, at codon 237 of the UCP3 protein (p.Pro237Leu). This variant is present in population databases (rs763845388, gnomAD 0.004%). This variant has not been reported in the literature in individuals affected with UCP3-related conditions. ClinVar contains an entry for this variant (Variation ID: 2634092). Invitae Evidence Modeling of protein sequence and biophysical properties (such as structural, functional, and spatial information, amino acid conservation, physicochemical variation, residue mobility, and thermodynamic stability) indicates that this missense variant is expected to disrupt UCP3 protein function with a positive predictive value of 80%. In summary, the available evidence is currently insufficient to determine the role of this variant in disease. Therefore, it has been classified as a Variant of Uncertain Significance.

PreventionGenetics, part of Exact Sciences
Classification: Uncertain significance for UCP3-related condition. Last evaluated: 2024-04-05. Review status: no assertion criteria provided. Collection method: clinical testing. Allele origin: germline. Not counted in ClinVar's aggregate classification.
Comment: The UCP3 c.710C>T variant is predicted to result in the amino acid substitution p.Pro237Leu. To our knowledge, this variant has not been reported in the literature. This variant is reported in 0.0035% of alleles in individuals of European (Non-Finnish) descent in gnomAD. At this time, the clinical significance of this variant is uncertain due to the absence of conclusive functional and genetic evidence.

NM_003356.4(UCP3):c.710C>T (p.Pro237Leu)

Gene: UCP3 (uncoupling protein 3; minus strand). Cytogenetic location: 11q13.4.
Variant type: single nucleotide variant.
Coding change: c.710C>T on transcript NM_003356.4 (MANE Select); coding-DNA position 710, C replaced by T.
Protein change: p.Pro237Leu; replaces proline 237 with leucine.
Molecular consequence: missense variant.
Genome position (GRCh38, 1-based): chr11:74,003,941, G>A on the plus strand (C>T on the coding strand, the complement: UCP3 is on the minus strand). VCF-style: chr11-74003941-G-A. GRCh37 (hg19) VCF-style: chr11-73714986-G-A.
Other names: c.710C>T, p.Pro237Leu (NM_022803.3); short protein forms P237L.
Identifiers: ClinVar variation 2634092 (VCV002634092.5), dbSNP rs763845388, ClinGen allele CA6181388.